The following is an entry in ClinVar:

NM_014956.5(CEP164):c.2854G>C (p.Ala952Pro)

Gene: CEP164 (centrosomal protein 164; plus strand). Cytogenetic location: 11q23.3.
Variant type: single nucleotide variant.
Coding change: c.2854G>C on transcript NM_014956.5 (MANE Select); coding-DNA position 2854, G replaced by C.
Protein change: p.Ala952Pro; replaces alanine 952 with proline.
Molecular consequence: missense variant.
Genome position (GRCh38, 1-based): chr11:117,395,132, G>C. VCF-style: chr11-117395132-G-C. GRCh37 (hg19) VCF-style: chr11-117265848-G-C.
Other names: c.2863G>C, p.Ala955Pro (NM_001271933.2, NM_001440949.1); c.2854G>C, p.Ala952Pro (NM_001440950.1, NM_001440951.1, NM_001440953.1); c.2689G>C, p.Ala897Pro (NM_001440952.1, NM_001440968.1, NM_001440969.1); c.2776G>C, p.Ala926Pro (NM_001440954.1, NM_001440955.1, NM_001440958.1 and 1 more transcripts); c.2767G>C, p.Ala923Pro (NM_001440956.1, NM_001440957.1); c.2725G>C, p.Ala909Pro (NM_001440960.1); c.2716G>C, p.Ala906Pro (NM_001440961.1, NM_001440967.1); c.2707G>C, p.Ala903Pro (NM_001440962.1, NM_001440963.1, NM_001440964.1 and 4 more transcripts); and 7 more; short protein forms A807P, A827P, A926P, A856P, A833P, A897P, A903P, A906P.
Identifiers: ClinVar variation 5000630 (VCV005000630.1).

ClinVar aggregate classification (germline): Uncertain significance (1 of 4 stars; one submission).

Conditions:
CEP164-related disorder. Also called: CEP164-related condition.

gnomAD v4.1: 2 of 1,614,190 alleles (0.00012%); highest among the groups gnomAD compares: Non-Finnish European, 0.00017%; no homozygotes.

Submission:

PreventionGenetics, part of Exact Sciences
Classification: Uncertain significance for CEP164-related condition. Last evaluated: 2024-10-15. Review status: criteria provided, single submitter. Criteria: ACMG Guidelines, 2015. Collection method: clinical testing. Allele origin: germline.
Comment: The CEP164 c.2854G>C variant is predicted to result in the amino acid substitution p.Ala952Pro. To our knowledge, this variant has not been reported in the literature or in a large population database (gnomAD), indicating this variant is rare. At this time, the clinical significance of this variant is uncertain due to the absence of conclusive functional and genetic evidence.